The following is an entry in ClinVar:

ClinVar aggregate classification (germline): Likely pathogenic (1 of 4 stars; one submission).

Conditions:
Hereditary cancer-predisposing syndrome. Also called: Tumor predisposition; Hereditary neoplastic syndrome; Hereditary Cancer Syndrome; Neoplastic Syndromes, Hereditary. Identifiers: Orphanet 140162, MedGen C0027672, MeSH D009386, MONDO:0015356.

Submission:

Ambry Genetics
Classification: Likely pathogenic for Hereditary cancer-predisposing syndrome. Last evaluated: 2025-05-01. Review status: criteria provided, single submitter. Criteria: Ambry Variant Classification Scheme 2023. Collection method: clinical testing. Allele origin: germline.
Comment: The p.G1167R variant (also known as c.3499G>C), located in coding exon 21 of the PTCH1 gene, results from a G to C substitution at nucleotide position 3499. The glycine at codon 1167 is replaced by arginine, an amino acid with dissimilar properties. Other variant(s) resulting in the same amino acid change, p.G1167R (c.3499G>A), have been identified in individual(s) with features consistent with PTCH1-related nevoid basal cell carcinoma syndrome (Barreto, DC et al. J Dent Res. 2000 Jun;79(6):1418-22; Pastorino, L et al. Hum Mutat. 2005 Mar;25(3):322-3; Sun, LS et al. J Dent Res. 2008 Jun;87(6):575-9). This variant is considered to be rare based on population cohorts in the Genome Aggregation Database (gnomAD). This amino acid position is highly conserved in available vertebrate species. In addition, this alteration is predicted to be deleterious by in silico analysis. Based on the majority of available evidence to date, this variant is likely to be pathogenic.

NM_000264.5(PTCH1):c.3499G>C (p.Gly1167Arg)

Gene: PTCH1 (patched 1; minus strand). Cytogenetic location: 9q22.32.
Variant type: single nucleotide variant.
Coding change: c.3499G>C on transcript NM_000264.5 (MANE Select); coding-DNA position 3499, G replaced by C.
Protein change: p.Gly1167Arg; replaces glycine 1167 with arginine.
Molecular consequence: missense variant. On other transcripts: non-coding transcript variant (1).
Genome position (GRCh38, 1-based): chr9:95,449,891, C>G on the plus strand (G>C on the coding strand, the complement: PTCH1 is on the minus strand). VCF-style: chr9-95449891-C-G. GRCh37 (hg19) VCF-style: chr9-98212173-C-G.
Other names: c.3301G>C, p.Gly1101Arg (NM_001083602.3); c.3496G>C, p.Gly1166Arg (NM_001083603.3); c.3046G>C, p.Gly1016Arg (NM_001083604.3, NM_001083605.3, NM_001083606.3 and 1 more transcripts); c.3343G>C, p.Gly1115Arg (NM_001354918.2); short protein forms G1016R, G1101R, G1115R, G1166R, G1167R.
Identifiers: ClinVar variation 3939950 (VCV003939950.1).
Genomic context (GRCh38, chr9:95,449,891, plus strand): 5'-CACTACTGACCTCAGGATATGGTCCAAAGAAAGACAAAAGCACGGGAAGCAAAACCAGCC[C>G]ATTGAGAACGCCGAGGATGGTGAGGATCGCCAGCACAGCAAAGAAATACCTGGGAGATCA-3'
Protein context (NP_000255.2, residues 1157-1177): AILTILGVLN[Gly1167Arg]LVLLPVLLSF